The following is an entry in ClinVar:

NM_002615.7(SERPINF1):c.62A>C (p.Asn21Thr)

Gene: SERPINF1 (serpin family F member 1; plus strand). Cytogenetic location: 17p13.3.
Variant type: single nucleotide variant.
Coding change: c.62A>C on transcript NM_002615.7 (MANE Select); coding-DNA position 62, A replaced by C.
Protein change: p.Asn21Thr; replaces asparagine 21 with threonine.
Molecular consequence: missense variant. On other transcripts: intron variant (1).
Genome position (GRCh38, 1-based): chr17:1,766,972, A>C. VCF-style: chr17-1766972-A-C. GRCh37 (hg19) VCF-style: chr17-1670266-A-C.
Other names: c.62A>C, p.Asn21Thr (NM_001329903.2); c.-477-2880A>C (NM_001329904.2); short protein forms N21T.
Identifiers: ClinVar variation 1353798 (VCV001353798.6), dbSNP rs1907422119, ClinGen allele CA397582551.

ClinVar aggregate classification (germline): Uncertain significance (1 of 4 stars; one submission).

Submission:

Labcorp Genetics (formerly Invitae), Labcorp
Classification: Uncertain significance. Last evaluated: 2022-08-16. Review status: criteria provided, single submitter. Criteria: Invitae Variant Classification Sherloc (09022015). Collection method: clinical testing. Allele origin: germline.
Comment: In summary, the available evidence is currently insufficient to determine the role of this variant in disease. Therefore, it has been classified as a Variant of Uncertain Significance. Algorithms developed to predict the effect of missense changes on protein structure and function are either unavailable or do not agree on the potential impact of this missense change (SIFT: "Not Available"; PolyPhen-2: "Benign"; Align-GVGD: "Not Available"). ClinVar contains an entry for this variant (Variation ID: 1353798). This variant has not been reported in the literature in individuals affected with SERPINF1-related conditions. This variant is not present in population databases (gnomAD no frequency). This sequence change replaces asparagine with threonine at codon 21 of the SERPINF1 protein (p.Asn21Thr). The asparagine residue is moderately conserved and there is a small physicochemical difference between asparagine and threonine.